The following is an entry in ClinVar:

ClinVar aggregate classification (germline): Likely benign (1 of 4 stars; one submission).

gnomAD v4.1: 21 of 1,613,930 alleles (0.0013%); highest among the groups gnomAD compares: South Asian, 0.0077%; no homozygotes.

Submission:

CeGaT Center for Human Genetics Tuebingen
Classification: Likely benign. Last evaluated: 2025-05-01. Review status: criteria provided, single submitter. Criteria: CeGaT Center For Human Genetics Tuebingen Variant Classification Criteria Version 2. Collection method: clinical testing. Allele origin: germline. Affected: yes. Observed: 1 variant allele.
Comment: WDFY3: BP4, BP7

NM_014991.6(WDFY3):c.99G>A (p.Thr33=)

Gene: WDFY3 (WD repeat and FYVE domain containing 3; minus strand). Cytogenetic location: 4q21.23.
Variant type: single nucleotide variant.
Coding change: c.99G>A on transcript NM_014991.6 (MANE Select); coding-DNA position 99, G replaced by A.
Protein change: p.Thr33=; no amino-acid change (threonine 33 retained).
Molecular consequence: synonymous variant.
Genome position (GRCh38, 1-based): chr4:84,860,493, C>T on the plus strand (G>A on the coding strand, the complement: WDFY3 is on the minus strand). VCF-style: chr4-84860493-C-T. GRCh37 (hg19) VCF-style: chr4-85781646-C-T.
Identifiers: ClinVar variation 3905857 (VCV003905857.10).